The following is an entry in ClinVar:

ClinVar aggregate classification (germline): Uncertain significance (1 of 4 stars; one submission).

Submission:

GeneDx
Classification: Uncertain significance. Last evaluated: 2022-11-14. Review status: criteria provided, single submitter. Criteria: GeneDx Variant Classification Process June 2021. Collection method: clinical testing. Allele origin: germline. Affected: yes.
Comment: Not observed at significant frequency in large population cohorts (gnomAD); In silico analysis supports that this missense variant does not alter protein structure/function; Has not been previously published as pathogenic or benign to our knowledge

NM_000168.6(GLI3):c.148T>C (p.Tyr50His)

Gene: GLI3 (GLI family zinc finger 3; minus strand). Cytogenetic location: 7p14.1.
Variant type: single nucleotide variant.
Coding change: c.148T>C on transcript NM_000168.6 (MANE Select); coding-DNA position 148, T replaced by C.
Protein change: p.Tyr50His; replaces tyrosine 50 with histidine.
Molecular consequence: missense variant.
Genome position (GRCh38, 1-based): chr7:42,148,445, A>G on the plus strand (T>C on the coding strand, the complement: GLI3 is on the minus strand). VCF-style: chr7-42148445-A-G. GRCh37 (hg19) VCF-style: chr7-42188044-A-G.
Other names: short protein forms Y50H.
Identifiers: ClinVar variation 2502072 (VCV002502072.1), dbSNP rs2485051001, ClinGen allele CA367550637.